The following is an entry in ClinVar:

ClinVar aggregate classification (germline): Uncertain significance. Review status: criteria provided, multiple submitters, no conflicts (2 of 4 stars). 2 submissions from 2 submitters: Uncertain significance (2). Last evaluated 2026-07-06.

Conditions:
Gorlin syndrome. Also called: Nevoid Basal Cell Carcinoma Syndrome; Basal cell nevus syndrome. Identifiers: Orphanet 377, MedGen C0004779, MONDO:0007187.
Hereditary cancer-predisposing syndrome. Also called: Neoplastic Syndromes, Hereditary; Hereditary Cancer Syndrome; Tumor predisposition; Hereditary neoplastic syndrome. Identifiers: Orphanet 140162, MedGen C0027672, MeSH D009386, MONDO:0015356.

Submissions (2):

Ambry Genetics
Classification: Uncertain significance for Hereditary cancer-predisposing syndrome. Last evaluated: 2026-07-06. Review status: criteria provided, single submitter. Criteria: Ambry Variant Classification Scheme 2023. Collection method: clinical testing. Allele origin: germline.
Comment: The p.W394R variant (also known as c.1180T>C), located in coding exon 10 of the PTCH1 gene, results from a T to C substitution at nucleotide position 1180. The tryptophan at codon 394 is replaced by arginine, an amino acid with dissimilar properties. This amino acid position is conserved. In addition, this alteration is predicted to be deleterious by in silico analysis. Based on the available evidence, the clinical significance of this variant remains unclear.

Labcorp Genetics (formerly Invitae), Labcorp
Classification: Uncertain significance for Gorlin syndrome. Last evaluated: 2019-10-09. Review status: criteria provided, single submitter. Criteria: Invitae Variant Classification Sherloc (09022015). Collection method: clinical testing. Allele origin: germline.
Comment: This sequence change replaces tryptophan with arginine at codon 460 of the PTCH1 protein (p.Trp460Arg). The tryptophan residue is highly conserved and there is a moderate physicochemical difference between tryptophan and arginine. This variant is not present in population databases (ExAC no frequency). This variant has not been reported in the literature in individuals with PTCH1-related conditions. Algorithms developed to predict the effect of missense changes on protein structure and function are either unavailable or do not agree on the potential impact of this missense change (SIFT: "Deleterious"; PolyPhen-2: "Possibly Damaging"; Align-GVGD: "Class C0"). In summary, the available evidence is currently insufficient to determine the role of this variant in disease. Therefore, it has been classified as a Variant of Uncertain Significance.

NM_000264.5(PTCH1):c.1378T>C (p.Trp460Arg)

Gene: PTCH1 (patched 1; minus strand). Cytogenetic location: 9q22.32.
Variant type: single nucleotide variant.
Coding change: c.1378T>C on transcript NM_000264.5 (MANE Select); coding-DNA position 1378, T replaced by C.
Protein change: p.Trp460Arg; replaces tryptophan 460 with arginine.
Molecular consequence: missense variant. On other transcripts: non-coding transcript variant (1), intron variant (1).
Genome position (GRCh38, 1-based): chr9:95,477,672, A>G on the plus strand (T>C on the coding strand, the complement: PTCH1 is on the minus strand). VCF-style: chr9-95477672-A-G. GRCh37 (hg19) VCF-style: chr9-98239954-A-G.
Other names: c.1180T>C, p.Trp394Arg (NM_001083602.3); c.1375T>C, p.Trp459Arg (NM_001083603.3); c.925T>C, p.Trp309Arg (NM_001083604.3, NM_001083605.3, NM_001083606.3 and 1 more transcripts); c.1347+383T>C (NM_001354918.2); c.1180T>C (NM_001083602.1); short protein forms W309R, W394R, W459R, W460R.
Identifiers: ClinVar variation 968297 (VCV000968297.11), dbSNP rs1841166322, ClinGen allele CA374118625.